The following is an entry in ClinVar:

ClinVar aggregate classification (germline): Uncertain significance (1 of 4 stars; one submission).

Submission:

Labcorp Genetics (formerly Invitae), Labcorp
Classification: Uncertain significance. Last evaluated: 2022-06-27. Review status: criteria provided, single submitter. Criteria: Invitae Variant Classification Sherloc (09022015). Collection method: clinical testing. Allele origin: germline.
Comment: In summary, the available evidence is currently insufficient to determine the role of this variant in disease. Therefore, it has been classified as a Variant of Uncertain Significance. Algorithms developed to predict the effect of missense changes on protein structure and function (SIFT, PolyPhen-2, Align-GVGD) all suggest that this variant is likely to be tolerated. This variant has not been reported in the literature in individuals affected with TLR7-related conditions. This variant is not present in population databases (gnomAD no frequency). This sequence change replaces glycine, which is neutral and non-polar, with serine, which is neutral and polar, at codon 62 of the TLR7 protein (p.Gly62Ser).

NM_016562.4(TLR7):c.184G>A (p.Gly62Ser)

Gene: TLR7 (toll like receptor 7; plus strand). Cytogenetic location: Xp22.2.
Variant type: single nucleotide variant.
Coding change: c.184G>A on transcript NM_016562.4 (MANE Select); coding-DNA position 184, G replaced by A.
Protein change: p.Gly62Ser; replaces glycine 62 with serine.
Molecular consequence: missense variant.
Genome position (GRCh38, 1-based): chrX:12,885,692, G>A. VCF-style: chrX-12885692-G-A. GRCh37 (hg19) VCF-style: chrX-12903811-G-A.
Other names: short protein forms G62S.
Identifiers: ClinVar variation 2011506 (VCV002011506.4), dbSNP rs958741253, ClinGen allele CA412404253.
Genomic context (GRCh38, chrX:12,885,692, plus strand): 5'-GTTCCAAAGAACCATGTGATCGTGGACTGCACAGACAAGCATTTGACAGAAATTCCTGGA[G>A]GTATTCCCACGAACACCACGAACCTCACCCTCACCATTAACCACATACCAGACATCTCCC-3'
Protein context (NP_057646.1, residues 52-72): TDKHLTEIPG[Gly62Ser]IPTNTTNLTL